The following is an entry in ClinVar:

ClinVar aggregate classification (germline): Pathogenic/Likely pathogenic. Review status: criteria provided, multiple submitters, no conflicts (2 of 4 stars). 4 submissions from 4 submitters: Pathogenic (2); Likely pathogenic (2). Last evaluated 2025-09-02.

Conditions:
Spastic paraplegia. Identifiers: MedGen C0037772, HP:0001258.
Charlevoix-Saguenay spastic ataxia (SACS). Also called: AUTOSOMAL RECESSIVE SPASTIC ATAXIA OF CHARLEVOIX-SAGUENAY; SPASTIC ATAXIA 6, AUTOSOMAL RECESSIVE; Spastic ataxia of Charlevoix-Saguenay. Identifiers: Orphanet 98, MedGen C1849140, MONDO:0010041, OMIM 270550.

Submissions (4):

Natera, Inc.
Classification: Likely pathogenic for Charlevoix-Saguenay type spastic ataxia. Last evaluated: 2025-09-02. Review status: criteria provided, single submitter. Criteria: Natera Variant Classification Schema (03/2026). Collection method: clinical testing. Allele origin: germline.
Comment: The c.12839del variant in SACS is a frameshift variant predicted to shift the reading frame beginning at codon 4280 and leads to a stop codon 28 codons downstream. This variant is expected to result in nonsense mediated decay, truncation, or a dysfunctional protein product. This variant is rare in the general population with a frequency below the threshold expected for the associated phenotype(s). Given the available evidence, this variant is classified as Likely Pathogenic.

Athena Diagnostics
Classification: Likely pathogenic. Last evaluated: 2024-06-26. Review status: criteria provided, single submitter. Criteria: Athena Diagnostics Criteria. Collection method: clinical testing. Allele origin: unknown.
Comment: This variant is expected to result in the loss of a functional protein. The frequency of this variant in the general population is consistent with pathogenicity. Computational tools yielded predictions that this variant is unlikely to have an effect on normal RNA splicing.

Labcorp Genetics (formerly Invitae), Labcorp
Classification: Pathogenic for Spastic paraplegia. Last evaluated: 2023-04-28. Review status: criteria provided, single submitter. Criteria: Invitae Variant Classification Sherloc (09022015). Collection method: clinical testing. Allele origin: germline.
Comment: This premature translational stop signal has been observed in individual(s) with clinical features of hereditary spastic paraplegia (PMID: 31230722). This variant is present in population databases (no rsID available, gnomAD 0.0009%). This sequence change creates a premature translational stop signal (p.Phe4280Serfs*28) in the SACS gene. While this is not anticipated to result in nonsense mediated decay, it is expected to disrupt the last 300 amino acid(s) of the SACS protein. This variant is also known as c.12398delT, p.Phe4133Serfs*28. For these reasons, this variant has been classified as Pathogenic. This variant disrupts a region of the SACS protein in which other variant(s) (p.Tyr4538*) have been determined to be pathogenic (Invitae). This suggests that this is a clinically significant region of the protein, and that variants that disrupt it are likely to be disease-causing. ClinVar contains an entry for this variant (Variation ID: 1456008).

Baylor Genetics
Classification: Pathogenic for Charlevoix-Saguenay spastic ataxia. Last evaluated: 2023-03-11. Review status: criteria provided, single submitter. Criteria: ACMG Guidelines, 2015. Collection method: clinical testing. Allele origin: unknown.

Literature cited by the submitters: PubMed 31230722 (cited by Athena Diagnostics and Labcorp Genetics (formerly Invitae), Labcorp).

NM_014363.6(SACS):c.12839del (p.Phe4280fs)

Gene: SACS (sacsin molecular chaperone; minus strand). Cytogenetic location: 13q12.12.
Variant type: Deletion.
Coding change: c.12839del on transcript NM_014363.6 (MANE Select); coding-DNA position 12839, one base deleted (T; older notation c.12839delT).
Protein change: p.Phe4280fs; shifts the reading frame from phenylalanine 4280.
Molecular consequence: frameshift variant.
Genome position (GRCh38, 1-based): chr13:23,331,037, A deleted on the plus strand (T on the coding strand, the reverse complement: SACS is on the minus strand); the first of 4 consecutive A bases (chr13:23,331,037-23,331,040); deleting any one gives the same sequence. VCF-style (leftmost placement, unchanged base first): chr13-23331036-GA-G. GRCh37 (hg19) VCF-style: chr13-23905175-GA-G.
Other names: c.12839del (NM_014363.4, NM_014363.5); c.12398del, p.Phe4133fs (NM_001278055.2); short protein forms F4133fs, F4280fs.
Identifiers: ClinVar variation 1456008 (VCV001456008.11), dbSNP rs1197238841, ClinGen allele CA608985218.